The following is an entry in ClinVar:

ClinVar aggregate classification (germline): Benign/Likely benign. Review status: criteria provided, multiple submitters, no conflicts (2 of 4 stars). 4 submissions from 4 submitters: Benign (3); Likely benign (1). Last evaluated 2026-04-01.

Allele frequency attached by ClinVar (database versions not stated): 1000 Genomes Project 30x 0.00359; 1000 Genomes Project 0.00379; ESP Exome Variant Server 0.00592; gnomAD 0.00628 and 0.00630; TOPMed 0.00635; gnomAD exomes 0.00669 and 0.01056; ExAC 0.00691.
gnomAD v4.1: 13,057 of 1,299,192 alleles (1%); highest among the groups gnomAD compares: Middle Eastern, 1.4%; 73 homozygotes.

Submissions (4):

CeGaT Center for Human Genetics Tuebingen
Classification: Benign. Last evaluated: 2026-04-01. Review status: criteria provided, single submitter. Criteria: CeGaT Center For Human Genetics Tuebingen Variant Classification Criteria Version 2. Collection method: clinical testing. Allele origin: germline. Affected: yes. Observed: 14 variant alleles.
Comment: PLXNA1: BP4, BS1, BS2

Labcorp Genetics (formerly Invitae), Labcorp
Classification: Benign. Last evaluated: 2026-01-23. Review status: criteria provided, single submitter. Criteria: Invitae Variant Classification Sherloc (09022015). Collection method: clinical testing. Allele origin: germline.

Genomic Medicine Center of Excellence, King Faisal Specialist Hospital and Research Centre
Classification: Likely benign. Last evaluated: 2025-08-18. Review status: criteria provided, single submitter. Criteria: ACMG Guidelines, 2015. Collection method: clinical testing. Allele origin: germline.

Breakthrough Genomics
Classification: Benign. Review status: criteria provided, single submitter. Criteria: ACMG Guidelines, 2015. Collection method: not provided. Allele origin: germline. Inheritance: Autosomal recessive inheritance. Affected: yes.

NM_032242.4(PLXNA1):c.3014+4C>T

Genes: PLXNA1 (plexin A1; plus strand), LOC129937476 (ATAC-STARR-seq lymphoblastoid active region 20450; plus strand). Cytogenetic location: 3q21.3.
Variant type: single nucleotide variant.
Coding change: c.3014+4C>T on transcript NM_032242.4 (MANE Select); 4 bases into the intron after coding-DNA position 3014, C replaced by T.
Molecular consequence: intron variant.
Genome position (GRCh38, 1-based): chr3:127,015,324, C>T. VCF-style: chr3-127015324-C-T. GRCh37 (hg19) VCF-style: chr3-126734167-C-T.
Identifiers: ClinVar variation 710200 (VCV000710200.36), dbSNP rs147171987, ClinGen allele CA2593848.
Genomic context (GRCh38, chr3:127,015,324, plus strand): 5'-GAACGCAGGCAGTGATGTGGCTGTGTCGGTCGGTGGCCGGCCCTGCTCCTTCTCCTGGTA[C>T]GGGGTGCAGGTGGGGGTGGGGGCCTGGCTGCCCCTCCTCCTGTTTCAGATGGTTGCATGC-3'